The following is an entry in ClinVar:

NM_021012.5(KCNJ12):c.433G>A (p.Gly145Ser)

Gene: KCNJ12 (potassium inwardly rectifying channel subfamily J member 12; plus strand). Cytogenetic location: 17p11.2.
Variant type: single nucleotide variant.
Coding change: c.433G>A on transcript NM_021012.5 (MANE Select); coding-DNA position 433, G replaced by A.
Protein change: p.Gly145Ser; replaces glycine 145 with serine.
Molecular consequence: missense variant.
Genome position (GRCh38, 1-based): chr17:21,415,775, G>A. VCF-style: chr17-21415775-G-A. GRCh37 (hg19) VCF-style: chr17-21319087-G-A.
Other names: short protein forms G145S.
Identifiers: ClinVar variation 3060615 (VCV003060615.2), dbSNP rs75029097, ClinGen allele CA8451129.
Genomic context (GRCh38, chr17:21,415,775, plus strand): 5'-ATGCAGGTGCACGGCTTCATGGCGGCCTTCCTCTTCTCCATCGAGACGCAGACCACCATC[G>A]GCTACGGGCTGCGCTGTGTGACGGAGGAGTGCCCGGTGGCCGTCTTCATGGTGGTGGCCC-3'
Protein context (NP_066292.2, residues 135-155): LFSIETQTTI[Gly145Ser]YGLRCVTEEC

ClinVar aggregate classification (germline): Benign (0 of 4 stars; one submission).

Conditions:
KCNJ12-related disorder. Also called: KCNJ12-related condition.

Allele frequency attached by ClinVar (database versions not stated): 1000 Genomes Project 0.00020; ExAC 0.49048.

Submission:

PreventionGenetics, part of Exact Sciences
Classification: Benign for KCNJ12-related condition. Last evaluated: 2019-10-17. Review status: no assertion criteria provided. Collection method: clinical testing. Allele origin: germline.
Comment: This variant is classified as benign based on ACMG/AMP sequence variant interpretation guidelines (Richards et al. 2015 PMID: 25741868, with internal and published modifications).